The following is an entry in ClinVar:

NM_006729.5(DIAPH2):c.2262T>C (p.His754=)

Gene: DIAPH2 (diaphanous related formin 2; plus strand). Cytogenetic location: Xq21.33.
Variant type: single nucleotide variant.
Coding change: c.2262T>C on transcript NM_006729.5 (MANE Select); coding-DNA position 2262, T replaced by C.
Protein change: p.His754=; no amino-acid change (histidine 754 retained).
Molecular consequence: synonymous variant.
Genome position (GRCh38, 1-based): chrX:97,099,708, T>C. VCF-style: chrX-97099708-T-C. GRCh37 (hg19) VCF-style: chrX-96354707-T-C.
Other names: c.2262T>C, p.His754= (NM_007309.4).
Identifiers: ClinVar variation 714915 (VCV000714915.5), dbSNP rs20387, ClinGen allele CA10468394.

ClinVar aggregate classification (germline): Benign. Review status: criteria provided, single submitter (1 of 4 stars). 2 submissions from 2 submitters: Benign (1). 1 of the submissions does not count toward it. Last evaluated 2018-09-17.

Conditions:
DIAPH2-related disorder. Also called: DIAPH2-related condition.

Allele frequency attached by ClinVar (database versions not stated): gnomAD exomes 0.00061 and 0.00183; ExAC 0.00258; 1000 Genomes Project 0.00450; 1000 Genomes Project 30x 0.00520; gnomAD 0.00588 and 0.00624; ESP Exome Variant Server 0.00710; TOPMed 0.00732.
gnomAD v4.1: 1,337 of 1,169,868 alleles (0.11%); highest among the groups gnomAD compares: African/African-American, 2.2%; 12 homozygotes.

Submissions (2):

Labcorp Genetics (formerly Invitae), Labcorp
Classification: Benign. Last evaluated: 2018-09-17. Review status: criteria provided, single submitter. Criteria: Invitae Variant Classification Sherloc (09022015). Collection method: clinical testing. Allele origin: germline.

PreventionGenetics, part of Exact Sciences
Classification: Benign for DIAPH2-related condition. Last evaluated: 2019-06-14. Review status: no assertion criteria provided. Collection method: clinical testing. Allele origin: germline. Not counted in ClinVar's aggregate classification.
Comment: This variant is classified as benign based on ACMG/AMP sequence variant interpretation guidelines (Richards et al. 2015 PMID: 25741868, with internal and published modifications).